The following is an entry in ClinVar:

NM_018230.3(NUP133):c.820-4A>G

Gene: NUP133 (nucleoporin 133; minus strand). Cytogenetic location: 1q42.13.
Variant type: single nucleotide variant.
Coding change: c.820-4A>G on transcript NM_018230.3 (MANE Select); 4 bases into the intron before coding-DNA position 820, A replaced by G.
Molecular consequence: intron variant.
Genome position (GRCh38, 1-based): chr1:229,496,051, T>C on the plus strand (A>G on the coding strand, the complement: NUP133 is on the minus strand). VCF-style: chr1-229496051-T-C. GRCh37 (hg19) VCF-style: chr1-229631798-T-C.
Other names: c.820-4A>G (NM_018230.2).
Identifiers: ClinVar variation 1532256 (VCV001532256.18), dbSNP rs202080887, ClinGen allele CA1443707.

ClinVar aggregate classification (germline): Benign/Likely benign. Review status: criteria provided, multiple submitters, no conflicts (2 of 4 stars). 4 submissions from 4 submitters: Benign (2); Likely benign (1). 1 of the submissions does not count toward it. Last evaluated 2025-12-20.

Conditions:
NUP133-related disorder. Also called: NUP133-related condition.

Allele frequency attached by ClinVar (database versions not stated): gnomAD exomes 0.00007 and 0.00026; ExAC 0.00036; 1000 Genomes Project 0.00060; 1000 Genomes Project 30x 0.00062; gnomAD 0.00076 and 0.00077; TOPMed 0.00076; ESP Exome Variant Server 0.00077.
gnomAD v4.1: 211 of 1,554,242 alleles (0.014%); highest among the groups gnomAD compares: African/African-American, 0.25%; no homozygotes.

Submissions (6):

Labcorp Genetics (formerly Invitae), Labcorp
Classification: Benign. Last evaluated: 2025-12-20. Review status: criteria provided, single submitter. Criteria: Invitae Variant Classification Sherloc (09022015). Collection method: clinical testing. Allele origin: germline.

CeGaT Center for Human Genetics Tuebingen
Classification: Likely benign. Last evaluated: 2025-10-01. Review status: criteria provided, single submitter. Criteria: CeGaT Center For Human Genetics Tuebingen Variant Classification Criteria Version 2. Collection method: clinical testing. Allele origin: germline. Affected: yes. Observed: 1 variant allele.
Comment: NUP133: BP4

Breakthrough Genomics
Classification: Benign. Review status: criteria provided, single submitter. Criteria: ACMG Guidelines, 2015. Collection method: not provided. Allele origin: germline. Inheritance: Autosomal recessive inheritance. Affected: yes.

PreventionGenetics, part of Exact Sciences
Classification: Likely benign for NUP133-related condition. Last evaluated: 2023-11-08. Review status: no assertion criteria provided. Collection method: clinical testing. Allele origin: germline. Not counted in ClinVar's aggregate classification.
Comment: This variant is classified as likely benign based on ACMG/AMP sequence variant interpretation guidelines (Richards et al. 2015 PMID: 25741868, with internal and published modifications).

Dr. Peter K. Rogan Lab, Western University
No classification provided (evidence only). Condition: Clear cell carcinoma of kidney. Review status: no classification provided. Collection method: in vitro. Allele origin: not applicable. Functional consequence: retained intron. Not counted in ClinVar's aggregate classification.

Dr. Peter K. Rogan Lab, Western University
No classification provided (evidence only). Condition: Uterine corpus endometrial carcinoma. Review status: no classification provided. Collection method: in vitro. Allele origin: not applicable. Functional consequence: retained intron. Not counted in ClinVar's aggregate classification.